The following is an entry in ClinVar:

NM_000492.4(CFTR):c.3757T>C (p.Leu1253=)

Genes: CFTR (CF transmembrane conductance regulator; plus strand), CFTR-AS2 (CFTR antisense RNA 2; minus strand). Cytogenetic location: 7q31.2.
Variant type: single nucleotide variant.
Coding change: c.3757T>C on transcript NM_000492.4 (MANE Select); coding-DNA position 3757, T replaced by C.
Protein change: p.Leu1253=; no amino-acid change (leucine 1253 retained).
Molecular consequence: synonymous variant.
Genome position (GRCh38, 1-based): chr7:117,642,477, T>C. VCF-style: chr7-117642477-T-C. GRCh37 (hg19) VCF-style: chr7-117282531-T-C.
Identifiers: ClinVar variation 4993576 (VCV004993576.1).
Genomic context (GRCh38, chr7:117,642,477, plus strand): 5'-CCCATCACTTTTACCTTATAGGTGGGCCTCTTGGGAAGAACTGGATCAGGGAAGAGTACT[T>C]TGTTATCAGCTTTTTTGAGACTACTGAACACTGAAGGAGAAATCCAGATCGATGGTGTGT-3'
Protein context (NP_000483.3, residues 1243-1263): LGRTGSGKST[Leu1253=]LSAFLRLLNT

ClinVar aggregate classification (germline): Likely benign (1 of 4 stars; one submission).

Conditions:
CFTR-related disorder (CFTR-RD). Also called: CFTR-related disorders; CFTR-related condition. Identifiers: MedGen C5924204, MONDO:7770004.

gnomAD v4.1: 3 of 1,613,694 alleles (0.00019%); highest among the groups gnomAD compares: South Asian, 0.0033%; no homozygotes.

Submission:

PreventionGenetics, part of Exact Sciences
Classification: Likely benign for CFTR-related condition. Last evaluated: 2026-02-02. Review status: criteria provided, single submitter. Criteria: ACMG Guidelines, 2015. Collection method: clinical testing. Allele origin: germline.
Comment: This variant is classified as likely benign based on ACMG/AMP sequence variant interpretation guidelines (Richards et al. 2015 PMID: 25741868, with internal and published modifications).